The following is an entry in ClinVar:

ClinVar aggregate classification (germline): Uncertain significance (1 of 4 stars; one submission).

Conditions:
MN1-related disorder. Also called: MN1-related condition.

gnomAD v4.1: 2 of 1,565,406 alleles (0.00013%); highest among the groups gnomAD compares: Admixed American, 0.0018%; no homozygotes.

Submission:

PreventionGenetics, part of Exact Sciences
Classification: Uncertain significance for MN1-related condition. Last evaluated: 2026-05-23. Review status: criteria provided, single submitter. Criteria: ACMG Guidelines, 2015. Collection method: clinical testing. Allele origin: germline.
Comment: The MN1 c.2077C>T variant is predicted to result in the amino acid substitution p.Pro693Ser. To our knowledge, this variant has not been reported in the literature or in a large population database (gnomAD), indicating this variant is rare. At this time, the clinical significance of this variant is uncertain due to the absence of conclusive functional and genetic evidence.

NM_002430.3(MN1):c.2077C>T (p.Pro693Ser)

Gene: MN1 (MN1 proto-oncogene, transcriptional regulator; minus strand). Cytogenetic location: 22q12.1.
Variant type: single nucleotide variant.
Coding change: c.2077C>T on transcript NM_002430.3 (MANE Select); coding-DNA position 2077, C replaced by T.
Protein change: p.Pro693Ser; replaces proline 693 with serine.
Molecular consequence: missense variant.
Genome position (GRCh38, 1-based): chr22:27,798,467, G>A on the plus strand (C>T on the coding strand, the complement: MN1 is on the minus strand). VCF-style: chr22-27798467-G-A. GRCh37 (hg19) VCF-style: chr22-28194455-G-A.
Other names: short protein forms P693S.
Identifiers: ClinVar variation 4994379 (VCV004994379.1).